The following is an entry in ClinVar:

ClinVar aggregate classification (germline): Uncertain significance (1 of 4 stars; one submission).

Allele frequency attached by ClinVar (database versions not stated): TOPMed below 0.00001.

Submission:

Labcorp Genetics (formerly Invitae), Labcorp
Classification: Uncertain significance. Last evaluated: 2024-01-11. Review status: criteria provided, single submitter. Criteria: Invitae Variant Classification Sherloc (09022015). Collection method: clinical testing. Allele origin: germline.
Comment: This sequence change falls in intron 33 of the A2ML1 gene. It does not directly change the encoded amino acid sequence of the A2ML1 protein. It affects a nucleotide within the consensus splice site. This variant is not present in population databases (gnomAD no frequency). This variant has not been reported in the literature in individuals affected with A2ML1-related conditions. Variants that disrupt the consensus splice site are a relatively common cause of aberrant splicing (PMID: 17576681, 9536098). Algorithms developed to predict the effect of sequence changes on RNA splicing suggest that this variant may disrupt the consensus splice site. In summary, the available evidence is currently insufficient to determine the role of this variant in disease. Therefore, it has been classified as a Variant of Uncertain Significance.

Literature cited by the submitters: PubMed 17576681; PubMed 9536098.

NM_144670.6(A2ML1):c.4221+2dup

Gene: A2ML1 (alpha-2-macroglobulin like 1; plus strand). Cytogenetic location: 12p13.31.
Variant type: Duplication.
Coding change: c.4221+2dup on transcript NM_144670.6 (MANE Select); the canonical splice donor site of the intron after coding-DNA position 4221, one base duplicated (T; older notation c.4221+2dupT).
Molecular consequence: splice donor variant.
Genome position (GRCh38, 1-based): chr12:8,869,205, T duplicated. VCF-style (leftmost placement, unchanged base first): chr12-8869204-G-GT. GRCh37 (hg19) VCF-style: chr12-9021800-G-GT.
Other names: c.2748+2dup (NM_001282424.3).
Identifiers: ClinVar variation 2900904 (VCV002900904.3), dbSNP rs1384800412, ClinGen allele CA693120100.